The following is an entry in ClinVar:

ClinVar aggregate classification (germline): Uncertain significance (1 of 4 stars; one submission).

Conditions:
Progressive microcephaly-seizures-cortical blindness-developmental delay syndrome. Also called: Seizures, cortical blindness, and microcephaly syndrome. Identifiers: Orphanet 477814, MedGen C5567650, MONDO:0014714, OMIM 616632.
Autosomal dominant nonsyndromic hearing loss 1. Also called: DEAFNESS, AUTOSOMAL DOMINANT 1, WITH OR WITHOUT THROMBOCYTOPENIA; KONIGSMARK SYNDROME. Identifiers: Orphanet 90635, MedGen C1852282, MONDO:0007424, OMIM 124900.

gnomAD v4.1: 3 of 1,613,770 alleles (0.00019%); highest among the groups gnomAD compares: African/African-American, 0.0027%; no homozygotes.

Submission:

Labcorp Genetics (formerly Invitae), Labcorp
Classification: Uncertain significance for Progressive microcephaly-seizures-cortical blindness-developmental delay syndrome; Autosomal dominant nonsyndromic hearing loss 1. Last evaluated: 2025-09-10. Review status: criteria provided, single submitter. Criteria: Invitae Variant Classification Sherloc (09022015). Collection method: clinical testing. Allele origin: germline.
Comment: This sequence change replaces arginine, which is basic and polar, with proline, which is neutral and non-polar, at codon 579 of the DIAPH1 protein (p.Arg579Pro). This variant is present in population databases (rs182139018, gnomAD 0.007%). This variant has not been reported in the literature in individuals affected with DIAPH1-related conditions. Experimental studies and prediction algorithms are not available or were not evaluated, and the functional significance of this variant is currently unknown. In summary, the available evidence is currently insufficient to determine the role of this variant in disease. Therefore, it has been classified as a Variant of Uncertain Significance.

NM_005219.5(DIAPH1):c.1736G>C (p.Arg579Pro)

Gene: DIAPH1 (diaphanous related formin 1; minus strand). Cytogenetic location: 5q31.3.
Variant type: single nucleotide variant.
Coding change: c.1736G>C on transcript NM_005219.5 (MANE Select); coding-DNA position 1736, G replaced by C.
Protein change: p.Arg579Pro; replaces arginine 579 with proline.
Molecular consequence: missense variant.
Genome position (GRCh38, 1-based): chr5:141,574,114, C>G on the plus strand (G>C on the coding strand, the complement: DIAPH1 is on the minus strand). VCF-style: chr5-141574114-C-G. GRCh37 (hg19) VCF-style: chr5-140953681-C-G.
Other names: c.1709G>C, p.Arg570Pro (NM_001079812.3); c.1736G>C, p.Arg579Pro (NM_001314007.2); short protein forms R570P, R579P.
Identifiers: ClinVar variation 4786103 (VCV004786103.1).